The following is an entry in ClinVar:

ClinVar aggregate classification (germline): Pathogenic/Likely pathogenic. Review status: criteria provided, multiple submitters, no conflicts (2 of 4 stars). 2 submissions from 2 submitters: Pathogenic (1); Likely pathogenic (1). Last evaluated 2025-10-01.

Conditions:
Glycine encephalopathy. Also called: Non-ketotic hyperglycinemia; Nonketotic hyperglycinemia. Identifiers: Orphanet 407, MedGen C0751748, MONDO:0011612, HP:0008288.

Allele frequency attached by ClinVar (database versions not stated): TOPMed below 0.00001; gnomAD 0.00001; gnomAD exomes 0.00001.
gnomAD v4.1: 6 of 1,613,504 alleles (0.00037%); highest among the groups gnomAD compares: Admixed American, 0.0067%; no homozygotes.

Submissions (2):

Labcorp Genetics (formerly Invitae), Labcorp
Classification: Pathogenic for Glycine encephalopathy. Last evaluated: 2025-10-01. Review status: criteria provided, single submitter. Criteria: Invitae Variant Classification Sherloc (09022015). Collection method: clinical testing. Allele origin: germline.
Comment: This sequence change creates a premature translational stop signal (p.Gln16*) in the AMT gene. It is expected to result in an absent or disrupted protein product. Loss-of-function variants in AMT are known to be pathogenic (PMID: 16450403). This variant is not present in population databases (gnomAD no frequency). This variant has not been reported in the literature in individuals affected with AMT-related conditions. ClinVar contains an entry for this variant (Variation ID: 1447287). For these reasons, this variant has been classified as Pathogenic.

Natera, Inc.
Classification: Likely pathogenic for Non-ketotic hyperglycinemia. Last evaluated: 2025-08-29. Review status: criteria provided, single submitter. Criteria: Natera Variant Classification Schema (03/2026). Collection method: clinical testing. Allele origin: germline.
Comment: The c.46C>T variant in AMT is a nonsense variant predicted to introduce a stop codon at amino acid 16. This variant is expected to result in nonsense mediated decay, truncation, or a dysfunctional protein product. This variant is rare in the general population with a frequency below the threshold expected for the associated phenotype(s). Given the available evidence, this variant is classified as Likely Pathogenic.

Literature cited by the submitters: PubMed 16450403 (cited by Labcorp Genetics (formerly Invitae), Labcorp).

NM_000481.4(AMT):c.46C>T (p.Gln16Ter)

Genes: AMT (aminomethyltransferase; minus strand), NICN1 (nicolin 1, tubulin polyglutamylase complex subunit; minus strand). Cytogenetic location: 3p21.31.
Variant type: single nucleotide variant.
Coding change: c.46C>T on transcript NM_000481.4 (MANE Select); coding-DNA position 46, C replaced by T.
Protein change: p.Gln16Ter; replaces glutamine 16 with a stop codon.
Molecular consequence: nonsense. On other transcripts: non-coding transcript variant (1), 3 prime UTR variant (1).
Genome position (GRCh38, 1-based): chr3:49,422,405, G>A on the plus strand (C>T on the coding strand, the complement: AMT is on the minus strand). VCF-style: chr3-49422405-G-A. GRCh37 (hg19) VCF-style: chr3-49459838-G-A.
Other names: c.46C>T, p.Gln16Ter (NM_001164710.2, NM_001164711.2, NM_001164712.2); c.*2428C>T (NM_032316.3); short protein forms Q16*.
Identifiers: ClinVar variation 1447287 (VCV001447287.10), dbSNP rs2049124862, ClinGen allele CA352791461.
Genomic context (GRCh38, chr3:49,422,405, plus strand): 5'-GCACCCTCTATCCCACCTGTGCGCAACTAAGTGGACGACACAAGGCCGGGGGGAATGCCT[G>A]CAGGCGAAAGCCCAGACGGGCCACCACACTTACAGCCCTCTGCATCGTCGCCTGCAACGA-3'